The following is an entry in ClinVar:

NM_173660.5(DOK7):c.1296_1311del (p.Asp433fs)

Gene: DOK7 (docking protein 7; plus strand). Cytogenetic location: 4p16.3.
Variant type: Deletion.
Coding change: c.1296_1311del on transcript NM_173660.5 (MANE Select); coding-DNA positions 1296 to 1311, 16 bases deleted (GGACTCAGGCGGCCAG).
Protein change: p.Asp433fs; shifts the reading frame from aspartic acid 433.
Molecular consequence: frameshift variant. On other transcripts: 3 prime UTR variant (1).
Genome position (GRCh38, 1-based): chr4:3,493,282-3,493,297, GGACTCAGGCGGCCAG deleted; deleting any 16 consecutive bases within chr4:3,493,274-3,493,297 gives the same sequence; the c. name uses the placement nearest the transcript's 3' end. VCF-style (leftmost placement, unchanged base first): chr4-3493273-TGCGGCCAGGGACTCAG-T. GRCh37 (hg19) VCF-style: chr4-3495000-TGCGGCCAGGGACTCAG-T.
Other names: p.Asp433Argfs*18; c.*517_*532del (NM_001164673.2); c.366_381del, p.Asp123fs (NM_001256896.2); c.1296_1311del, p.Asp433fs (NM_001301071.2); c.864_879del, p.Asp289fs (NM_001363811.2); short protein forms D123fs, D433fs, D289fs.
Identifiers: ClinVar variation 813360 (VCV000813360.16), dbSNP rs778172294, ClinGen allele CA2829448.

ClinVar aggregate classification (germline): Pathogenic/Likely pathogenic. Review status: criteria provided, multiple submitters, no conflicts (2 of 4 stars). 7 submissions from 6 submitters: Pathogenic (5); Likely pathogenic (2). Last evaluated 2025-12-30.

Conditions:
Congenital myasthenic syndrome 10. Also called: Myasthenia, limb-girdle, familial. Identifiers: Orphanet 590, MedGen C1850792, MONDO:0009690, OMIM 254300.
Fetal akinesia deformation sequence 3. Identifiers: MedGen C4760599, MONDO:0100103, OMIM 618389.
DOK7-related disorders.
Fetal akinesia deformation sequence 1 (FADS1). Also called: Fetal akinesia sequence; Pena-Shokeir syndrome type I. Identifiers: Orphanet 994, MedGen C1276035, MONDO:0100101, OMIM 208150, HP:0001989.

Submissions (7):

Labcorp Genetics (formerly Invitae), Labcorp
Classification: Pathogenic for Congenital myasthenic syndrome 10; Fetal akinesia deformation sequence 1. Last evaluated: 2025-12-30. Review status: criteria provided, single submitter. Criteria: Invitae Variant Classification Sherloc (09022015). Collection method: clinical testing. Allele origin: germline.
Comment: This sequence change creates a premature translational stop signal (p.Asp433Argfs*18) in the DOK7 gene. While this is not anticipated to result in nonsense mediated decay, it is expected to disrupt the last 72 amino acid(s) of the DOK7 protein. This variant is present in population databases (rs778172294, gnomAD 0.02%). This premature translational stop signal has been observed in individual(s) with clinical features of congenital myasthenic syndrome (PMID: 17439981, 22661499; internal data). In at least one individual the data is consistent with being in trans (on the opposite chromosome) from a pathogenic variant. ClinVar contains an entry for this variant (Variation ID: 813360). For these reasons, this variant has been classified as Pathogenic.

Mayo Clinic Laboratories, Mayo Clinic
Classification: Pathogenic. Last evaluated: 2024-08-13. Review status: criteria provided, single submitter. Criteria: ACMG Guidelines, 2015. Collection method: clinical testing. Allele origin: germline. Observed: 1 variant allele.
Comment: PP4, PM2, PM3, PS4_moderate, PVS1_strong

Blueprint Genetics
Classification: Likely pathogenic for DOK7-related disorders. Last evaluated: 2024-08-01. Review status: criteria provided, single submitter. Criteria: ACMG Guidelines, 2015. Collection method: clinical testing. Allele origin: germline. Affected: yes. Observed: 5 variant alleles.

Baylor Genetics
Classification: Pathogenic for Fetal akinesia deformation sequence 3. Last evaluated: 2024-02-27. Review status: criteria provided, single submitter. Criteria: ACMG Guidelines, 2015. Collection method: clinical testing. Allele origin: unknown.

Revvity Omics, Revvity
Classification: Pathogenic. Last evaluated: 2022-03-17. Review status: criteria provided, single submitter. Criteria: ACMG Guidelines, 2015. Collection method: clinical testing. Allele origin: germline.

Baylor Genetics
Classification: Pathogenic for Congenital myasthenic syndrome 10. Review status: criteria provided, single submitter. Criteria: ACMG Guidelines, 2015. Collection method: clinical testing. Allele origin: germline.

Juno Genomics, Hangzhou Juno Genomics, Inc
Classification: Likely pathogenic for Fetal akinesia deformation sequence 3; Congenital myasthenic syndrome 10. Review status: criteria provided, single submitter. Criteria: ACMG Guidelines, 2015. Collection method: clinical testing. Allele origin: germline.
Comment: Absent from controls (or at extremely low frequency if recessive) in Genome Aggregation Database.;Null variant in a gene where loss of function (LOF) is a known mechanism of disease.;For recessive disorders, detected in trans with a pathogenic variant.

Literature cited by the submitters: PubMed 17439981 (cited by Labcorp Genetics (formerly Invitae), Labcorp and Mayo Clinic Laboratories, Mayo Clinic); PubMed 22661499 (cited by Labcorp Genetics (formerly Invitae), Labcorp and Mayo Clinic Laboratories, Mayo Clinic).